The following is an entry in ClinVar:

ClinVar aggregate classification (germline): Uncertain significance (1 of 4 stars; one submission).

Submission:

Labcorp Genetics (formerly Invitae), Labcorp
Classification: Uncertain significance. Last evaluated: 2022-09-30. Review status: criteria provided, single submitter. Criteria: Invitae Variant Classification Sherloc (09022015). Collection method: clinical testing. Allele origin: germline.
Comment: This sequence change replaces lysine, which is basic and polar, with asparagine, which is neutral and polar, at codon 793 of the RIMS1 protein (p.Lys793Asn). This variant is not present in population databases (gnomAD no frequency). In summary, the available evidence is currently insufficient to determine the role of this variant in disease. Therefore, it has been classified as a Variant of Uncertain Significance. Algorithms developed to predict the effect of missense changes on protein structure and function are either unavailable or do not agree on the potential impact of this missense change (SIFT: "Deleterious"; PolyPhen-2: "Probably Damaging"; Align-GVGD: "Class C15"). This variant has not been reported in the literature in individuals affected with RIMS1-related conditions.

NM_014989.7(RIMS1):c.2379A>C (p.Lys793Asn)

Gene: RIMS1 (regulating synaptic membrane exocytosis 1; plus strand). Cytogenetic location: 6q13.
Variant type: single nucleotide variant.
Coding change: c.2379A>C on transcript NM_014989.7 (MANE Select); coding-DNA position 2379, A replaced by C.
Protein change: p.Lys793Asn; replaces lysine 793 with asparagine.
Molecular consequence: missense variant.
Genome position (GRCh38, 1-based): chr6:72,250,927, A>C. VCF-style: chr6-72250927-A-C. GRCh37 (hg19) VCF-style: chr6-72960630-A-C.
Other names: c.732A>C, p.Lys244Asn (NM_001350437.2, NM_001350459.2, NM_001350462.2 and 6 more transcripts); c.801A>C, p.Lys267Asn (NM_001350438.2, NM_001350439.2, NM_001350440.2 and 37 more transcripts); c.558A>C, p.Lys186Asn (NM_001350461.2, NM_001350463.2, NM_001350464.2 and 6 more transcripts); c.756A>C, p.Lys252Asn (NM_001168410.2, NM_001350470.2, NM_001350472.2 and 2 more transcripts); short protein forms K793N, K186N, K244N, K252N, K267N.
Identifiers: ClinVar variation 2005899 (VCV002005899.4), dbSNP rs2073029725, ClinGen allele CA364679200.